The following continues an entry in ClinVar:

NM_000051.4(ATM):c.790del (p.Tyr264fs)

Gene: ATM. ClinVar aggregate classification (germline): Pathogenic. Pathogenic (1).

Submissions 12 to 21 of 21:

GeneDx
Classification: Pathogenic. Last evaluated: 2022-11-22. Review status: criteria provided, single submitter. Criteria: GeneDx Variant Classification Process June 2021. Collection method: clinical testing. Allele origin: germline. Affected: yes. Not counted in ClinVar's aggregate classification.
Comment: Frameshift variant predicted to result in protein truncation or nonsense mediated decay in a gene for which loss-of-function is a known mechanism of disease; Not observed at significant frequency in large population cohorts (gnomAD); Truncating variants in this gene are considered pathogenic by a well-established clinical consortium and/or database; Observed in individuals with personal and/or family history of ATM-related cancers (Renwick et al., 2006; Castera et al., 2014; Pritchard et al., 2016; Decker et al., 2017); This variant is associated with the following publications: (PMID: 16832357, 16411093, 29625052, 32853339, 26896183, 32818697, 35154108, 29922827, 35047863, 29478780, 9887333, 22213089, 12673797, 15928302, 12552559, 10817650, 20346647, 27616075, 27433846, 23566627, 28152038, 24549055, 28779002, 26689913, 31731261, 12815592)

Genetics and Molecular Pathology, SA Pathology
Classification: Pathogenic for Ataxia-telangiectasia syndrome. Last evaluated: 2022-09-29. Review status: criteria provided, single submitter. Criteria: ACMG Guidelines, 2015. Collection method: clinical testing. Allele origin: germline. Affected: yes. Not counted in ClinVar's aggregate classification.

MGZ Medical Genetics Center
Classification: Pathogenic for Familial cancer of breast. Last evaluated: 2022-07-11. Review status: criteria provided, single submitter. Criteria: ACMG Guidelines, 2015. Collection method: clinical testing. Allele origin: germline. Affected: yes. Observed: 1 variant allele. Not counted in ClinVar's aggregate classification.
Comment: ACMG criteria applied: PVS1, PS4, PM2_SUP

Sema4
Classification: Pathogenic for Hereditary cancer-predisposing syndrome. Last evaluated: 2021-12-30. Review status: criteria provided, single submitter. Criteria: Sema4 Curation Guidelines. Collection method: curation. Allele origin: germline. Not counted in ClinVar's aggregate classification.
Comment: The ATM c.790delT (p.Y264IfsX12) variant has been reported as compound heterozygous in individuals with ataxia telangiectasia (PMID: 9887333, 12552559, 15928302, 22213089, 31731261). It has also been reported as heterozygous in individuals with breast cancer (PMID: 12673797, 16832357, 20346647, 28779002, 33471991), ovarian cancer (PMID: 27616075), and prostate cancer (PMID: 26689913, 27433846, 32853339). This variant causes a frameshift at amino acid 264 that results in premature termination 12 amino acids downstream. At this location, nonsense-mediated decay is predicted to occur, resulting in a loss of gene function. Loss of function variants in ATM are known to be pathogenic (PMID: 31050087). It was observed in 2/113450 chromosomes of the Non-Finnish European subpopulation in the large and broad cohorts of the Genome Aggregation Database (PMID: 32461654). The variant has been reported in ClinVar (Variation ID 141742). Based on the current evidence available, this variant is interpreted as pathogenic.

CeGaT Center for Human Genetics Tuebingen
Classification: Pathogenic. Last evaluated: 2020-04-01. Review status: criteria provided, single submitter. Criteria: CeGaT Center For Human Genetics Tuebingen Variant Classification Criteria Version 2. Collection method: clinical testing. Allele origin: germline. Affected: yes. Observed: 2 variant alleles. Not counted in ClinVar's aggregate classification.

Clinical Genetics and Genomics, Karolinska University Hospital
Classification: Pathogenic. Last evaluated: 2020-02-14. Review status: criteria provided, single submitter. Criteria: ACMG Guidelines, 2015. Collection method: clinical testing. Allele origin: germline. Affected: yes. Observed: 1 variant allele. Not counted in ClinVar's aggregate classification.

Women's Health and Genetics/Laboratory Corporation of America, LabCorp
Classification: Pathogenic for Ataxia-telangiectasia syndrome. Last evaluated: 2017-05-02. Review status: criteria provided, single submitter. Criteria: LabCorp Variant Classification Summary - May 2015. Collection method: clinical testing. Allele origin: germline. Not counted in ClinVar's aggregate classification.
Comment: Variant summary: The ATM c.790delT (p.Tyr264Ilefs) variant results in a premature termination codon, predicted to cause a truncated or absent ATM protein due to nonsense mediated decay, which are commonly known mechanisms for disease. Truncations downstream of this position have been classified as pathogenic by our laboratory (e.g., c.1027_1030delGAAA [p.Glu343fs). One in silico tool predicts a damaging outcome for this variant. The variant has been identified in numerous patients affected with ataxia telangiectasia and/or breast cancer and has not been observed in healthy individuals (e.g., Renwick_2006; Buzin_2003; Castera_2014). In addition, a functional study revealed that a patient carrying the variant of interest and a second truncating ATM variant (c.1563_1564delAG [p.Glu522fs]) had no detectable ATM expression or kinase activity (Verhagen_HM_2012), suggesting the variant is a functional null allele. This variant is absent in the large control database ExAC (0/122508 control chromosomes). Multiple clinical diagnostic laboratories/reputable databases have classified this variant as pathogenic. Taken together, this variant is classified as pathogenic.

BRCAlab, Lund University
Classification: Pathogenic for Familial cancer of breast. Last evaluated: 2022-08-26. Review status: no assertion criteria provided. Collection method: clinical testing. Allele origin: germline. Affected: yes. Not counted in ClinVar's aggregate classification.

Natera, Inc.
Classification: Pathogenic for Ataxia-telangiectasia. Last evaluated: 2020-07-09. Review status: no assertion criteria provided. Collection method: clinical testing. Allele origin: germline. Not counted in ClinVar's aggregate classification.

Division of Human Genetics, Children's Hospital of Philadelphia
Classification: Pathogenic for Ataxia-telangiectasia syndrome. Last evaluated: 2016-05-05. Review status: no assertion criteria provided. Collection method: research. Allele origin: germline. Study: CSER-PediSeq. Not counted in ClinVar's aggregate classification.

Literature cited by the submitters: PubMed 23807571 (cited by Labcorp Genetics (formerly Invitae), Labcorp); PubMed 25614872 (cited by Labcorp Genetics (formerly Invitae), Labcorp); PubMed 9887333 (cited by 5 submitters); PubMed 12673797 (cited by 3 submitters); PubMed 12815592 (cited by 4 submitters); PubMed 15928302 (cited by 5 submitters); PubMed 16832357 (cited by 6 submitters); PubMed 22213089 (cited by 5 submitters); PubMed 24549055 (cited by 4 submitters); PubMed 10817650 (cited by Color Diagnostics, LLC DBA Color Health and Women's Health and Genetics/Laboratory Corporation of America, LabCorp); PubMed 12552559 (cited by 4 submitters); PubMed 16411093 (cited by Color Diagnostics, LLC DBA Color Health); PubMed 19781682 (cited by Color Diagnostics, LLC DBA Color Health and Department of Pathology and Laboratory Medicine, Sinai Health System); PubMed 20346647 (cited by Color Diagnostics, LLC DBA Color Health and Sema4); PubMed 21665257 (cited by Color Diagnostics, LLC DBA Color Health); PubMed 25122203 (cited by Color Diagnostics, LLC DBA Color Health); PubMed 27433846 (cited by 3 submitters); PubMed 27616075 (cited by 3 submitters); PubMed 28135145 (cited by 3 submitters); PubMed 28779002 (cited by 4 submitters); PubMed 26896183 (cited by Department of Pathology and Laboratory Medicine, Sinai Health System); PubMed 26689913 (cited by Department of Pathology and Laboratory Medicine, Sinai Health System and Sema4); PubMed 33471991 (cited by Department of Pathology and Laboratory Medicine, Sinai Health System and Sema4); PubMed 29478780 (cited by Ambry Genetics); PubMed 31731261 (cited by Sema4); PubMed 32853339 (cited by Sema4); PubMed 31050087 (cited by Sema4).